The following is an entry in ClinVar:

NM_003073.5(SMARCB1):c.967C>T (p.Gln323Ter)

Gene: SMARCB1 (SWI/SNF related BAF chromatin remodeling complex subunit B1; plus strand). Cytogenetic location: 22q11.23.
Variant type: single nucleotide variant.
Coding change: c.967C>T on transcript NM_003073.5 (MANE Select); coding-DNA position 967, C replaced by T.
Protein change: p.Gln323Ter; replaces glutamine 323 with a stop codon.
Molecular consequence: nonsense.
Genome position (GRCh38, 1-based): chr22:23,825,396, C>T. VCF-style: chr22-23825396-C-T. GRCh37 (hg19) VCF-style: chr22-24167583-C-T.
Other names: c.940C>T, p.Gln314Ter (NM_001007468.3); c.994C>T, p.Gln332Ter (NM_001317946.2); c.1021C>T, p.Gln341Ter (NM_001362877.2); short protein forms Q323*, Q332*, Q341*, Q314*.
Identifiers: ClinVar variation 4710843 (VCV004710843.2).

ClinVar aggregate classification (germline): Pathogenic/Likely pathogenic. Review status: criteria provided, multiple submitters, no conflicts (2 of 4 stars). 2 submissions from 2 submitters: Pathogenic (1); Likely pathogenic (1). Last evaluated 2026-03-05.

Submissions (2):

GeneDx
Classification: Likely pathogenic. Last evaluated: 2026-03-05. Review status: criteria provided, single submitter. Criteria: GeneDx Variant Classification Process June 2021. Collection method: clinical testing. Allele origin: germline.
Comment: De novo variant in a patient with reported rhabdoid predisposition syndrome; however, additional clinical information was not provided (PMID: 36792598); Nonsense variant predicted to result in protein truncation or nonsense mediated decay in a gene for which loss of function is a known mechanism of disease; Not observed at significant frequency in large population cohorts (gnomAD); This variant is associated with the following publications: (PMID: 30470167, 36792598)

Labcorp Genetics (formerly Invitae), Labcorp
Classification: Pathogenic. Last evaluated: 2026-01-18. Review status: criteria provided, single submitter. Criteria: Invitae Variant Classification Sherloc (09022015). Collection method: clinical testing. Allele origin: germline.
Comment: This sequence change creates a premature translational stop signal (p.Gln323*) in the SMARCB1 gene. It is expected to result in an absent or disrupted protein product. Loss-of-function variants in SMARCB1 are known to be pathogenic (PMID: 10521299, 21208904). This variant is not present in population databases (gnomAD no frequency). This premature translational stop signal has been observed in individual(s) with rhabdoid predisposition syndrome (PMID: 36792598). For these reasons, this variant has been classified as Pathogenic.

Literature cited by the submitters: PubMed 10521299 (cited by Labcorp Genetics (formerly Invitae), Labcorp); PubMed 21208904 (cited by Labcorp Genetics (formerly Invitae), Labcorp); PubMed 36792598 (cited by Labcorp Genetics (formerly Invitae), Labcorp).